The following is an entry in ClinVar:

ClinVar aggregate classification (germline): Uncertain significance (1 of 4 stars; one submission).

Submission:

Labcorp Genetics (formerly Invitae), Labcorp
Classification: Uncertain significance. Last evaluated: 2023-04-24. Review status: criteria provided, single submitter. Criteria: Invitae Variant Classification Sherloc (09022015). Collection method: clinical testing. Allele origin: germline.
Comment: In summary, the available evidence is currently insufficient to determine the role of this variant in disease. Therefore, it has been classified as a Variant of Uncertain Significance. Advanced modeling of protein sequence and biophysical properties (such as structural, functional, and spatial information, amino acid conservation, physicochemical variation, residue mobility, and thermodynamic stability) performed at Invitae indicates that this missense variant is expected to disrupt SCNN1G protein function. This variant has not been reported in the literature in individuals affected with SCNN1G-related conditions. This variant is not present in population databases (gnomAD no frequency). This sequence change replaces histidine, which is basic and polar, with tyrosine, which is neutral and polar, at codon 332 of the SCNN1G protein (p.His332Tyr).

NM_001039.4(SCNN1G):c.994C>T (p.His332Tyr)

Gene: SCNN1G (sodium channel epithelial 1 subunit gamma; plus strand). Cytogenetic location: 16p12.2.
Variant type: single nucleotide variant.
Coding change: c.994C>T on transcript NM_001039.4 (MANE Select); coding-DNA position 994, C replaced by T.
Protein change: p.His332Tyr; replaces histidine 332 with tyrosine.
Molecular consequence: missense variant.
Genome position (GRCh38, 1-based): chr16:23,197,344, C>T. VCF-style: chr16-23197344-C-T. GRCh37 (hg19) VCF-style: chr16-23208665-C-T.
Other names: short protein forms H332Y.
Identifiers: ClinVar variation 2858948 (VCV002858948.3), dbSNP rs750119531, ClinGen allele CA395096765.